The following is an entry in ClinVar:

NM_012120.3(CD2AP):c.1099G>A (p.Glu367Lys)

Gene: CD2AP (CD2 associated protein; plus strand). Cytogenetic location: 6p12.3.
Variant type: single nucleotide variant.
Coding change: c.1099G>A on transcript NM_012120.3 (MANE Select); coding-DNA position 1099, G replaced by A.
Protein change: p.Glu367Lys; replaces glutamic acid 367 with lysine.
Molecular consequence: missense variant.
Genome position (GRCh38, 1-based): chr6:47,582,056, G>A. VCF-style: chr6-47582056-G-A. GRCh37 (hg19) VCF-style: chr6-47549792-G-A.
Other names: short protein forms E367K.
Identifiers: ClinVar variation 2888584 (VCV002888584.4), dbSNP rs144903299, ClinGen allele CA3844217.

ClinVar aggregate classification (germline): Uncertain significance. Review status: criteria provided, multiple submitters, no conflicts (2 of 4 stars). 2 submissions from 2 submitters: Uncertain significance (2). Last evaluated 2024-02-12.

Conditions:
Focal segmental glomerulosclerosis 3, susceptibility to (FSGS3). Identifiers: Orphanet 656, MedGen C1842982, MONDO:0011917, OMIM 607832.

Allele frequency attached by ClinVar (database versions not stated): ExAC 0.00002; gnomAD 0.00003; gnomAD exomes 0.00004; TOPMed 0.00004; ESP Exome Variant Server 0.00008.
gnomAD v4.1: 66 of 1,589,558 alleles (0.0042%); highest among the groups gnomAD compares: African/African-American, 0.0067%; no homozygotes.

Submissions (2):

Fulgent Genetics
Classification: Uncertain significance for Focal segmental glomerulosclerosis 3, susceptibility to. Last evaluated: 2024-02-12. Review status: criteria provided, single submitter. Criteria: ACMG Guidelines, 2015. Collection method: clinical testing. Allele origin: germline.

Labcorp Genetics (formerly Invitae), Labcorp
Classification: Uncertain significance. Last evaluated: 2023-07-20. Review status: criteria provided, single submitter. Criteria: Invitae Variant Classification Sherloc (09022015). Collection method: clinical testing. Allele origin: germline.
Comment: Advanced modeling of protein sequence and biophysical properties (such as structural, functional, and spatial information, amino acid conservation, physicochemical variation, residue mobility, and thermodynamic stability) has been performed at Invitae for this missense variant, however the output from this modeling did not meet the statistical confidence thresholds required to predict the impact of this variant on CD2AP protein function. In summary, the available evidence is currently insufficient to determine the role of this variant in disease. Therefore, it has been classified as a Variant of Uncertain Significance. This sequence change replaces glutamic acid, which is acidic and polar, with lysine, which is basic and polar, at codon 367 of the CD2AP protein (p.Glu367Lys). This variant is present in population databases (rs144903299, gnomAD 0.01%). This variant has not been reported in the literature in individuals affected with CD2AP-related conditions.